The following is an entry in ClinVar:

ClinVar aggregate classification (germline): Uncertain significance. Review status: criteria provided, multiple submitters, no conflicts (2 of 4 stars). 2 submissions from 2 submitters: Uncertain significance (2). Last evaluated 2024-11-17.

Conditions:
Inborn genetic diseases. Identifiers: MedGen C0950123, MeSH D030342.

Submissions (2):

Ambry Genetics
Classification: Uncertain significance for Inborn genetic diseases. Last evaluated: 2024-11-17. Review status: criteria provided, single submitter. Criteria: Ambry Variant Classification Scheme 2023. Collection method: clinical testing. Allele origin: germline.
Comment: The p.R641G variant (also known as c.1921C>G), located in coding exon 21 of the ERCC2 gene, results from a C to G substitution at nucleotide position 1921. The arginine at codon 641 is replaced by glycine, an amino acid with dissimilar properties. This amino acid position is conserved. In addition, this alteration is predicted to be deleterious by in silico analysis. Since supporting evidence is limited at this time, the clinical significance of this alteration remains unclear.

GeneDx
Classification: Uncertain significance. Last evaluated: 2023-12-21. Review status: criteria provided, single submitter. Criteria: GeneDx Variant Classification Process June 2021. Collection method: clinical testing. Allele origin: germline. Affected: yes.
Comment: Has not been previously published as pathogenic or benign to our knowledge; Not observed at significant frequency in large population cohorts (gnomAD); In silico analysis supports that this missense variant has a deleterious effect on protein structure/function

NM_000400.4(ERCC2):c.1921C>G (p.Arg641Gly)

Gene: ERCC2 (ERCC excision repair 2, TFIIH core complex helicase subunit; minus strand). Cytogenetic location: 19q13.32.
Variant type: single nucleotide variant.
Coding change: c.1921C>G on transcript NM_000400.4 (MANE Select); coding-DNA position 1921, C replaced by G.
Protein change: p.Arg641Gly; replaces arginine 641 with glycine.
Molecular consequence: missense variant.
Genome position (GRCh38, 1-based): chr19:45,352,631, G>C on the plus strand (C>G on the coding strand, the complement: ERCC2 is on the minus strand). VCF-style: chr19-45352631-G-C. GRCh37 (hg19) VCF-style: chr19-45855889-G-C.
Other names: short protein forms R641G.
Identifiers: ClinVar variation 1782684 (VCV001782684.4), dbSNP rs769085031, ClinGen allele CA308950931.